The following continues an entry in ClinVar:

NM_024675.4(PALB2):c.2257C>T (p.Arg753Ter)

Gene: PALB2. ClinVar aggregate classification (germline): Pathogenic. Pathogenic (26).

Submissions 10 to 24 of 31:

Color Diagnostics, LLC DBA Color Health
Classification: Pathogenic for Hereditary cancer-predisposing syndrome. Last evaluated: 2024-03-19. Review status: criteria provided, single submitter. Criteria: ACMG Guidelines, 2015. Collection method: clinical testing. Allele origin: germline.
Comment: This variant changes 1 nucleotide in exon 5 of the PALB2 gene, creating a premature translation stop signal. This variant is expected to result in an absent or non-functional protein product. A functional study has reported for this variant resulted in the loss of homology-mediated repair activity (PMID: 33169439). This variant has been reported in over 10 individuals affected with breast and ovarian cancer (PMID: 19763884, 21618343, 25099575, 25186627, 25452441, 27783279, 27798748, 28423363, 28486781, 28724667, 28779002, 29093764, 29338689, 30287823, 29752822, 31089269, 31300551, 31786208, 32339256, 32854451, 32885271, 33471991, 36605468; doi: 10.21037/tbcr-22-33; Leiden Open Variation Database DB-ID PALB2_000007). This variant has been observed in compound heterozygous state with another pathogenic variant in an individual affected with Fanconi anemia (PMID: 17200671). This variant has been identified in 6/251486 chromosomes in the general population by the Genome Aggregation Database (gnomAD). Loss of PALB2 function is a known mechanism of disease. Based on the available evidence, this variant is classified as Pathogenic.

Baylor Genetics
Classification: Pathogenic for Familial cancer of breast. Last evaluated: 2024-02-23. Review status: criteria provided, single submitter. Criteria: ACMG Guidelines, 2015. Collection method: clinical testing. Allele origin: unknown.

Clinical Genetics Laboratory, Skane University Hospital Lund
Classification: Pathogenic. Last evaluated: 2024-01-05. Review status: criteria provided, single submitter. Criteria: ACMG Guidelines, 2015. Collection method: clinical testing. Allele origin: germline. Affected: yes.

Myriad Genetics, Inc.
Classification: Pathogenic for Familial cancer of breast. Last evaluated: 2023-03-31. Review status: criteria provided, single submitter. Criteria: Myriad Autosomal Dominant, Autosomal Recessive and X-Linked Classification Criteria (2023). Collection method: clinical testing. Allele origin: unknown.
Comment: This variant is considered pathogenic. This variant creates a termination codon and is predicted to result in premature protein truncation.

CHEO Genetics Diagnostic Laboratory, Children's Hospital of Eastern Ontario
Classification: Pathogenic for Breast and/or ovarian cancer. Last evaluated: 2023-03-03. Review status: criteria provided, single submitter. Criteria: ACMG Guidelines, 2015. Collection method: clinical testing. Allele origin: germline.

GeneDx
Classification: Pathogenic. Last evaluated: 2022-11-16. Review status: criteria provided, single submitter. Criteria: GeneDx Variant Classification Process June 2021. Collection method: clinical testing. Allele origin: germline. Affected: yes.
Comment: Nonsense variant predicted to result in protein truncation or nonsense mediated decay in a gene for which loss-of-function is a known mechanism of disease; This variant is associated with the following publications: (PMID: 28486781, 28779002, 31446535, 29922827, 28888541, 31721094, 21618343, 21182766, 19264984, 19763884, 25186627, 25452441, 25099575, 20346647, 20852946, 21165770, 27276934, 27783279, 28281021, 27798748, 27553368, 25525159, 28423363, 29338689, 29093764, 28724667, 28152038, 29752822, 28135719, 29915322, 29566657, 30306255, 30613976, 30303537, 31786208, 31300551, 29625052, 31447099, 32854451, 32832836, 32339256, 34026625, 34399810, 31589614, 32885271, 30982232, 33128190, 31785789, 33169439, 17200671, 31089269)

Laboratory for Molecular Medicine, Mass General Brigham Personalized Medicine
Classification: Pathogenic for Hereditary breast ovarian cancer syndrome. Last evaluated: 2022-04-01. Review status: criteria provided, single submitter. Criteria: ACMG Guidelines, 2015. Collection method: clinical testing. Allele origin: germline. Inheritance: Autosomal dominant inheritance.
Comment: The p.Arg753X variant in PALB2 has been reported in > 20 individuals breast cancer or other PALB2-related cancers and segregated with disease in 6 affected individuals from at least 3 families (Jones 2009 PMID: 19264984, Papi 2010 PMID: 19763884, Hellebrand 2011 PMID: 21618343, Kim 2016 PMID: 27783279, Vagena 2019 PMID: 31089269, Fostira 2020 PMID: 31300551, Zhou 2020 PMID: 32339256). Haplotype testing suggests that this is a founder variant in the Greek population (Vagena 2019 PMID: 31089269). In addition, this variant has been reported in one individual with Fanconi Anemia, who also carried a second PALB2 pathogenic variant on the other allele, further supporting pathogenicity (Reid 2007 PMID: 17200671). This variant has also been reported by other clinical laboratories in ClinVar (Variation ID 142403) and has also been identified in 0.004395% (5/113762) of European chromosomes by gnomAD. This nonsense variant leads to a premature termination codon at position 753, which is predicted to lead to a truncated or absent protein. Heterozygous loss of function of the PALB2 gene is an established disease mechanism in autosomal dominant inherited predisposition to PALB2-associated cancers, including breast cancer. In summary, this variant meets criteria to be classified as pathogenic for autosomal dominant inherited predisposition to PALB2-associated cancers. ACMG/AMP Criteria applied: PVS1, PS4, PP1_Moderate, PM2_Supporting.

CeGaT Center for Human Genetics Tuebingen
Classification: Pathogenic. Last evaluated: 2021-06-01. Review status: criteria provided, single submitter. Criteria: CeGaT Center For Human Genetics Tuebingen Variant Classification Criteria Version 2. Collection method: clinical testing. Allele origin: germline. Affected: yes. Observed: 1 variant allele.

Quest Diagnostics Nichols Institute San Juan Capistrano
Classification: Pathogenic. Last evaluated: 2021-05-20. Review status: criteria provided, single submitter. Criteria: Quest Diagnostics criteria. Collection method: clinical testing. Allele origin: unknown.
Comment: This nonsense variant causes the premature termination of PALB2 protein synthesis. In addition, it has been reported in individuals affected with prostate cancer and breast cancer in the published literature (PMID: 32854451 (2020), 32832836 (2020), 32339256 (2020), 31786208 (2020), 31300551 (2020), 31089269 (2019), 30982232 (2019), 30287823 (2018), 29752822 (2018), 29566657 (2018)). This variant has also been reported to have a deleterious effect on PALB2 homologous recombination activity (PMID: 33169439 (2021)). Based on the available information, this variant is classified as a pathogenic.

Sema4
Classification: Pathogenic for Hereditary cancer-predisposing syndrome. Last evaluated: 2021-03-31. Review status: criteria provided, single submitter. Criteria: Sema4 Curation Guidelines. Collection method: curation. Allele origin: germline.
Comment: The PALB2 c.2257C>T (p.R753X) variant has been reported in heterozygosity in numerous individuals with breast cancer (PMID: 21618343, 19763884, 28724667, 32339256). It has also been reported as heterozygous in at least one individual with pancreatic cancer (PMID: 19264984) and as compound heterozygous in at least one individual with Fanconi anemia (PMID: 17200671). This nonsense variant creates a premature stop codon at residue 753 of the PALB2 protein. At this location, this is predicted to cause nonsense-mediated decay and result in an absent protein (loss of function). This variant was observed in 5/113762 chromosomes in the Non-Finnish European population according to the Genome Aggregation Database (PMID: 32461654). This variant has been reported in ClinVar (Variation ID: 142403). Based on the current evidence available, this variant is interpreted as pathogenic.

Institute of Medical Genetics and Applied Genomics, University Hospital Tübingen
Classification: Pathogenic. Last evaluated: 2020-10-23. Review status: criteria provided, single submitter. Criteria: ACMG Guidelines, 2015. Collection method: clinical testing. Allele origin: germline. Inheritance: Unknown mechanism. Affected: yes.

Women's Health and Genetics/Laboratory Corporation of America, LabCorp
Classification: Pathogenic for breast cancer. Last evaluated: 2020-10-09. Review status: criteria provided, single submitter. Criteria: LabCorp Variant Classification Summary - May 2015. Collection method: clinical testing. Allele origin: germline.
Comment: Variant summary: PALB2 c.2257C>T (p.Arg753X) results in a premature termination codon, predicted to cause a truncation of the encoded protein or absence of the protein due to nonsense mediated decay, which are commonly known mechanisms for disease. Truncations downstream of this position have been classified as pathogenic by our laboratory. The variant allele was found at a frequency of 2.4e-05 in 251486 control chromosomes. c.2257C>T has been reported in the literature in multiple individuals affected with Fanconi Anemia (e.g. Reid_2007) and Breast Cancer (e.g. Hellebrand_2011, Tung_2015, Jian_2017, Sun_2017, Rodriguez-Balda_2020). These data indicate that the variant is very likely to be associated with disease. To our knowledge, no experimental evidence demonstrating an impact on protein function has been reported. 12 clinical diagnostic laboratories have submitted clinical-significance assessments for this variant to ClinVar after 2014 without evidence for independent evaluation. All laboratories classified the variant as pathogenic. Based on the evidence outlined above, the variant was classified as pathogenic.

GeneKor MSA
Classification: Pathogenic for Hereditary cancer-predisposing syndrome. Last evaluated: 2020-01-01. Review status: criteria provided, single submitter. Criteria: ACMG Guidelines, 2015. Collection method: clinical testing. Allele origin: germline. Affected: yes.
Comment: This is a nonsense variant creating a premature translational stop signal at codon 753 (p.Arg753*) in the PALB2 gene. It is expected to result in an absent or disrupted protein product. This particular variant has been reported in the literature in individuals affected with breast cancer (PMID: 25452441) and Fanconi anemia (PMID: 17200671) . The mutation database ClinVar contains entries for this variant (Variation ID: 142403).

Revvity Omics, Revvity
Classification: Pathogenic. Last evaluated: 2019-01-04. Review status: criteria provided, single submitter. Criteria: ACMG Guidelines, 2015. Collection method: clinical testing. Allele origin: germline.

Mendelics
Classification: Pathogenic for Hereditary cancer-predisposing syndrome. Last evaluated: 2018-07-02. Review status: criteria provided, single submitter. Criteria: Mendelics Assertion Criteria 2017. Collection method: clinical testing. Allele origin: unknown.